The following is an entry in ClinVar:

ClinVar aggregate classification (germline): Uncertain significance. Review status: criteria provided, multiple submitters, no conflicts (2 of 4 stars). 3 submissions from 3 submitters: Uncertain significance (3). Last evaluated 2024-04-18.

Allele frequency attached by ClinVar (database versions not stated): TOPMed 0.00005; gnomAD exomes 0.00012 and 0.00016; ExAC 0.00049.
gnomAD v4.1: 174 of 1,535,856 alleles (0.011%); highest among the groups gnomAD compares: South Asian, 0.045%; no homozygotes.

Submissions (3):

Blueprint Genetics
Classification: Uncertain significance. Last evaluated: 2024-04-18. Review status: criteria provided, single submitter. Criteria: ACMG Guidelines, 2015. Collection method: clinical testing. Allele origin: germline.

GeneDx
Classification: Uncertain significance. Last evaluated: 2023-12-05. Review status: criteria provided, single submitter. Criteria: GeneDx Variant Classification Process June 2021. Collection method: clinical testing. Allele origin: germline. Affected: yes.
Comment: In silico analysis supports that this missense variant does not alter protein structure/function; Has not been previously published as pathogenic or benign to our knowledge

Labcorp Genetics (formerly Invitae), Labcorp
Classification: Uncertain significance. Last evaluated: 2022-07-30. Review status: criteria provided, single submitter. Criteria: Invitae Variant Classification Sherloc (09022015). Collection method: clinical testing. Allele origin: germline.
Comment: This sequence change replaces arginine, which is basic and polar, with tryptophan, which is neutral and slightly polar, at codon 955 of the PDZD7 protein (p.Arg955Trp). This variant is present in population databases (rs567692834, gnomAD 0.06%). This variant has not been reported in the literature in individuals affected with PDZD7-related conditions. ClinVar contains an entry for this variant (Variation ID: 1039320). Algorithms developed to predict the effect of missense changes on protein structure and function are either unavailable or do not agree on the potential impact of this missense change (SIFT: "Deleterious"; PolyPhen-2: "Not Available"; Align-GVGD: "Class C0"). In summary, the available evidence is currently insufficient to determine the role of this variant in disease. Therefore, it has been classified as a Variant of Uncertain Significance.

NM_001195263.2(PDZD7):c.2863C>T (p.Arg955Trp)

Gene: PDZD7 (PDZ domain containing 7; minus strand). Cytogenetic location: 10q24.31.
Variant type: single nucleotide variant.
Coding change: c.2863C>T on transcript NM_001195263.2 (MANE Select); coding-DNA position 2863, C replaced by T.
Protein change: p.Arg955Trp; replaces arginine 955 with tryptophan.
Molecular consequence: missense variant.
Genome position (GRCh38, 1-based): chr10:101,008,706, G>A on the plus strand (C>T on the coding strand, the complement: PDZD7 is on the minus strand). VCF-style: chr10-101008706-G-A. GRCh37 (hg19) VCF-style: chr10-102768463-G-A.
Other names: short protein forms R955W.
Identifiers: ClinVar variation 1039320 (VCV001039320.9), dbSNP rs567692834, ClinGen allele CA5653942.
Genomic context (GRCh38, chr10:101,008,706, plus strand): 5'-GCAAGTGGTCAGCAGGAAGGCCCCCATCAGTAAGGGCTGATGAGTCAGAGGGTGAGGGCC[G>A]TGGGCTGGGCCCGGGGACCCTGACCACAAGCTCCATGGGCTCCCGGGCCTTGTTTCGATA-3'
Protein context (NP_001182192.1, residues 945-965): LVVRVPGPSP[Arg955Trp]PSPSDSSALT